The following is an entry in ClinVar:

ClinVar aggregate classification (germline): Conflicting classifications of pathogenicity. Review status: criteria provided, conflicting classifications (1 of 4 stars). 4 submissions from 4 submitters: Uncertain significance (1); Likely benign (2). 1 of the submissions does not count toward it. Last evaluated 2026-05-01.

Conditions:
Hereditary spastic paraplegia 15 (SPG15). Also called: KJELLIN SYNDROME; SPASTIC PARAPLEGIA AND RETINAL DEGENERATION; SPASTIC PARAPLEGIA 15, AUTOSOMAL RECESSIVE. Identifiers: Orphanet 100996, MedGen C1849128, MONDO:0010044, OMIM 270700.
Spastic paraplegia. Identifiers: MedGen C0037772, HP:0001258.
ZFYVE26-related disorder. Also called: ZFYVE26-related condition.

Allele frequency attached by ClinVar (database versions not stated): gnomAD exomes 0.00012 and 0.00035; gnomAD 0.00013 and 0.00017; TOPMed 0.00017; ExAC 0.00043; 1000 Genomes Project 0.00100; 1000 Genomes Project 30x 0.00125.
gnomAD v4.1: 196 of 1,605,588 alleles (0.012%); highest among the groups gnomAD compares: East Asian, 0.42%; 3 homozygotes.

Submissions (4):

CeGaT Center for Human Genetics Tuebingen
Classification: Likely benign. Last evaluated: 2026-05-01. Review status: criteria provided, single submitter. Criteria: CeGaT Center For Human Genetics Tuebingen Variant Classification Criteria Version 2. Collection method: clinical testing. Allele origin: germline. Affected: yes. Observed: 1 variant allele.
Comment: ZFYVE26: BP4

Labcorp Genetics (formerly Invitae), Labcorp
Classification: Likely benign for Spastic paraplegia. Last evaluated: 2025-11-06. Review status: criteria provided, single submitter. Criteria: Invitae Variant Classification Sherloc (09022015). Collection method: clinical testing. Allele origin: germline.

Illumina Laboratory Services, Illumina
Classification: Uncertain significance for Hereditary spastic paraplegia 15. Last evaluated: 2018-01-13. Review status: criteria provided, single submitter. Criteria: ICSL Variant Classification Criteria 13 December 2019. Collection method: clinical testing. Allele origin: germline.

PreventionGenetics, part of Exact Sciences
Classification: Likely benign for ZFYVE26-related condition. Last evaluated: 2022-10-08. Review status: no assertion criteria provided. Collection method: clinical testing. Allele origin: germline. Not counted in ClinVar's aggregate classification.
Comment: This variant is classified as likely benign based on ACMG/AMP sequence variant interpretation guidelines (Richards et al. 2015 PMID: 25741868, with internal and published modifications).

NM_015346.4(ZFYVE26):c.5225C>G (p.Ser1742Cys)

Gene: ZFYVE26 (zinc finger FYVE-type containing 26; minus strand). Cytogenetic location: 14q24.1.
Variant type: single nucleotide variant.
Coding change: c.5225C>G on transcript NM_015346.4 (MANE Select); coding-DNA position 5225, C replaced by G.
Protein change: p.Ser1742Cys; replaces serine 1742 with cysteine.
Molecular consequence: missense variant.
Genome position (GRCh38, 1-based): chr14:67,775,111, G>C on the plus strand (C>G on the coding strand, the complement: ZFYVE26 is on the minus strand). VCF-style: chr14-67775111-G-C. GRCh37 (hg19) VCF-style: chr14-68241828-G-C.
Other names: short protein forms S1742C.
Identifiers: ClinVar variation 313888 (VCV000313888.19), dbSNP rs193244014, ClinGen allele CA7239557.